The following is an entry in ClinVar:

NM_001374736.1(DST):c.17489A>C (p.Glu5830Ala)

Gene: DST (dystonin; minus strand). Cytogenetic location: 6p12.1.
Variant type: single nucleotide variant.
Coding change: c.17489A>C on transcript NM_001374736.1 (MANE Select); coding-DNA position 17489, A replaced by C.
Protein change: p.Glu5830Ala; replaces glutamic acid 5830 with alanine.
Molecular consequence: missense variant. On other transcripts: intron variant (2).
Genome position (GRCh38, 1-based): chr6:56,529,554, T>G on the plus strand (A>C on the coding strand, the complement: DST is on the minus strand). VCF-style: chr6-56529554-T-G. GRCh37 (hg19) VCF-style: chr6-56394352-T-G.
Other names: c.11132A>C, p.Glu3711Ala (NM_001144769.5); c.10718A>C, p.Glu3573Ala (NM_001144770.2); c.17489A>C, p.Glu5830Ala (NM_001374722.1); c.17516A>C, p.Glu5839Ala (NM_001374734.1); c.10598A>C, p.Glu3533Ala (NM_001386100.1, NM_183380.4); c.9620A>C, p.Glu3207Ala (NM_015548.5); c.10377+420A>C (NM_001374730.1); c.16635+420A>C (NM_001374729.1); short protein forms E3207A, E3533A, E3573A, E3711A, E5830A, E5839A.
Identifiers: ClinVar variation 1011018 (VCV001011018.6), dbSNP rs373654920, ClinGen allele CA3867429.

ClinVar aggregate classification (germline): Uncertain significance (1 of 4 stars; one submission).

Conditions:
Epidermolysis bullosa simplex 3, localized or generalized intermediate, with BP230 deficiency (EBS3). Also called: Epidermolysis bullosa simplex due to BP230 deficiency; Epidermolysis bullosa simplex, autosomal recessive 2. Identifiers: Orphanet 412181, MedGen C3809470, MONDO:0014180, OMIM 615425.
Hereditary sensory and autonomic neuropathy type 6. Also called: HSAN VI; Neuropathy, hereditary sensory and autonomic, type VI. Identifiers: Orphanet 314381, MedGen C3539003, MONDO:0013839, OMIM 614653.

Allele frequency attached by ClinVar (database versions not stated): gnomAD exomes below 0.00001 and 0.00003; TOPMed 0.00001; ExAC 0.00002; gnomAD 0.00002; ESP Exome Variant Server 0.00008.
gnomAD v4.1: 52 of 1,613,644 alleles (0.0032%); highest among the groups gnomAD compares: Non-Finnish European, 0.0042%; no homozygotes.

Submission:

Labcorp Genetics (formerly Invitae), Labcorp
Classification: Uncertain significance for Epidermolysis bullosa simplex 3, localized or generalized intermediate, with BP230 deficiency; Hereditary sensory and autonomic neuropathy type 6. Last evaluated: 2021-08-22. Review status: criteria provided, single submitter. Criteria: Invitae Variant Classification Sherloc (09022015). Collection method: clinical testing. Allele origin: germline.
Comment: In summary, the available evidence is currently insufficient to determine the role of this variant in disease. Therefore, it has been classified as a Variant of Uncertain Significance. Experimental studies and prediction algorithms are not available or were not evaluated, and the functional significance of this variant is currently unknown. This variant has not been reported in the literature in individuals affected with DST-related conditions. This variant is present in population databases (rs373654920, ExAC 0.003%). This sequence change replaces glutamic acid with alanine at codon 3207 of the DST protein (p.Glu3207Ala). The DST gene has multiple clinically relevant transcripts. This variant occurs in alternate transcript NM_015548.4, and corresponds to NM_001723.5:c.*85963A>C in the primary transcript.